The following is an entry in ClinVar:

NM_001365999.1(SZT2):c.2447C>A (p.Ala816Asp)

Gene: SZT2 (SZT2 subunit of KICSTOR complex; plus strand). Cytogenetic location: 1p34.2.
Variant type: single nucleotide variant.
Coding change: c.2447C>A on transcript NM_001365999.1 (MANE Select); coding-DNA position 2447, C replaced by A.
Protein change: p.Ala816Asp; replaces alanine 816 with aspartic acid.
Molecular consequence: missense variant.
Genome position (GRCh38, 1-based): chr1:43,424,408, C>A. VCF-style: chr1-43424408-C-A. GRCh37 (hg19) VCF-style: chr1-43890079-C-A.
Other names: c.2447C>A, p.Ala816Asp (NM_015284.4); short protein forms A816D.
Identifiers: ClinVar variation 1517153 (VCV001517153.8), dbSNP rs2153932911, ClinGen allele CA340012995.

ClinVar aggregate classification (germline): Uncertain significance (1 of 4 stars; one submission).

gnomAD v4.1: 2 of 1,597,934 alleles (0.00013%); highest among the groups gnomAD compares: Non-Finnish European, 0.00017%; no homozygotes.

Submission:

Labcorp Genetics (formerly Invitae), Labcorp
Classification: Uncertain significance. Last evaluated: 2020-12-18. Review status: criteria provided, single submitter. Criteria: Invitae Variant Classification Sherloc (09022015). Collection method: clinical testing. Allele origin: germline.
Comment: In summary, the available evidence is currently insufficient to determine the role of this variant in disease. Therefore, it has been classified as a Variant of Uncertain Significance. Algorithms developed to predict the effect of missense changes on protein structure and function are either unavailable or do not agree on the potential impact of this missense change (SIFT: "Tolerated"; PolyPhen-2: "Probably Damaging"; Align-GVGD: "Class C0"). This variant has not been reported in the literature in individuals with SZT2-related conditions. This variant is not present in population databases (ExAC no frequency). This sequence change replaces alanine with aspartic acid at codon 816 of the SZT2 protein (p.Ala816Asp). The alanine residue is moderately conserved and there is a moderate physicochemical difference between alanine and aspartic acid.